The following is an entry in ClinVar:

NM_020806.5(GPHN):c.143T>G (p.Leu48Trp)

Gene: GPHN (gephyrin; plus strand). Cytogenetic location: 14q23.3.
Variant type: single nucleotide variant.
Coding change: c.143T>G on transcript NM_020806.5 (MANE Select); coding-DNA position 143, T replaced by G.
Protein change: p.Leu48Trp; replaces leucine 48 with tryptophan.
Molecular consequence: missense variant.
Genome position (GRCh38, 1-based): chr14:66,681,185, T>G. VCF-style: chr14-66681185-T-G. GRCh37 (hg19) VCF-style: chr14-67147903-T-G.
Other names: c.143T>G, p.Leu48Trp (NM_001024218.2, NM_001377514.1, NM_001377515.1 and 4 more transcripts); short protein forms L48W.
Identifiers: ClinVar variation 2977360 (VCV002977360.3), dbSNP rs2548561242, ClinGen allele CA390255705.

ClinVar aggregate classification (germline): Uncertain significance (1 of 4 stars; one submission).

Conditions:
Sulfite oxidase deficiency due to molybdenum cofactor deficiency type C. Also called: Molybdenum cofactor deficiency, complementation group C; Molybdenum cofactor deficiency C. Identifiers: Orphanet 308400, Orphanet 833, MedGen C1854990, MONDO:0014212, OMIM 615501.

Submission:

Labcorp Genetics (formerly Invitae), Labcorp
Classification: Uncertain significance for Sulfite oxidase deficiency due to molybdenum cofactor deficiency type C. Last evaluated: 2023-11-10. Review status: criteria provided, single submitter. Criteria: Invitae Variant Classification Sherloc (09022015). Collection method: clinical testing. Allele origin: germline.
Comment: This sequence change replaces leucine, which is neutral and non-polar, with tryptophan, which is neutral and slightly polar, at codon 48 of the GPHN protein (p.Leu48Trp). This variant is not present in population databases (gnomAD no frequency). This variant has not been reported in the literature in individuals affected with GPHN-related conditions. An algorithm developed to predict the effect of missense changes on protein structure and function (PolyPhen-2) suggests that this variant is likely to be disruptive. In summary, the available evidence is currently insufficient to determine the role of this variant in disease. Therefore, it has been classified as a Variant of Uncertain Significance.